The following is an entry in ClinVar:

ClinVar aggregate classification (germline): Likely pathogenic (1 of 4 stars; one submission).

Submission:

Labcorp Genetics (formerly Invitae), Labcorp
Classification: Likely pathogenic. Last evaluated: 2022-08-07. Review status: criteria provided, single submitter. Criteria: Invitae Variant Classification Sherloc (09022015). Collection method: clinical testing. Allele origin: germline.
Comment: In summary, the currently available evidence indicates that the variant is pathogenic, but additional data are needed to prove that conclusively. Therefore, this variant has been classified as Likely Pathogenic. Algorithms developed to predict the effect of sequence changes on RNA splicing suggest that this variant may disrupt the consensus splice site. This variant has not been reported in the literature in individuals affected with COL11A2-related conditions. This variant is not present in population databases (gnomAD no frequency). This variant results in the deletion of part of exon 53 (c.3900_3906+12del) of the COL11A2 gene. It is expected to disrupt RNA splicing. Variants that disrupt the donor or acceptor splice site typically lead to a loss of protein function (PMID: 16199547), and loss-of-function variants in COL11A2 are known to be pathogenic (PMID: 10677296, 21204229).

Literature cited by the submitters: PubMed 16199547; PubMed 10677296; PubMed 21204229.

NM_080680.3(COL11A2):c.3900_3906+12del

Gene: COL11A2 (collagen type XI alpha 2 chain; minus strand). Cytogenetic location: 6p21.32.
Variant type: Deletion.
Coding change: c.3900_3906+12del on transcript NM_080680.3 (MANE Select); coding-DNA position 3900 through 12 bases into the intron after coding-DNA position 3906, 19 bases deleted (ACAGCCTGTGAGTGCCTGG).
Molecular consequence: splice donor variant.
Genome position (GRCh38, 1-based): chr6:33,168,694-33,168,712, CCAGGCACTCACAGGCTGT deleted on the plus strand (ACAGCCTGTGAGTGCCTGG on the coding strand, the reverse complement: COL11A2 is on the minus strand); deleting any 19 consecutive bases within chr6:33,168,694-33,168,714 gives the same sequence; the c. name uses the placement nearest the transcript's 3' end. VCF-style (leftmost placement, unchanged base first): chr6-33168693-ACCAGGCACTCACAGGCTGT-A. GRCh37 (hg19) VCF-style: chr6-33136470-ACCAGGCACTCACAGGCTGT-A.
Other names: c.3579_3585+12del (NM_080679.3); c.3642_3648+12del (NM_080681.3).
Identifiers: ClinVar variation 2022437 (VCV002022437.4), dbSNP rs2534662475, ClinGen allele CA2580074346.
Genomic context (GRCh38, chr6:33,168,693, plus strand): 5'-AGTGGGGCACAGAAGAGGGGTAAAGAGGATGAGGCTTGGGCTCAGGGGGGTGGTGGGGTC[ACCAGGCACTCACAGGCTGT>A]CCTGGCTCACCATCCTCGCCTCGGTCACCCTTAGCACCATCCTGGCCCTGCAGAAGTGAA-3'